The following is an entry in ClinVar:

NM_002335.4(LRP5):c.3536G>T (p.Arg1179Leu)

Gene: LRP5 (LDL receptor related protein 5; plus strand). Cytogenetic location: 11q13.2.
Variant type: single nucleotide variant.
Coding change: c.3536G>T on transcript NM_002335.4 (MANE Select); coding-DNA position 3536, G replaced by T.
Protein change: p.Arg1179Leu; replaces arginine 1179 with leucine.
Molecular consequence: missense variant.
Genome position (GRCh38, 1-based): chr11:68,426,086, G>T. VCF-style: chr11-68426086-G-T. GRCh37 (hg19) VCF-style: chr11-68193554-G-T.
Other names: c.1793G>T, p.Arg598Leu (NM_001291902.2); short protein forms R1179L, R598L.
Identifiers: ClinVar variation 1423044 (VCV001423044.8), dbSNP rs372697844, ClinGen allele CA381621900.

ClinVar aggregate classification (germline): Uncertain significance (1 of 4 stars; one submission).

gnomAD v4.1: 2 of 1,613,612 alleles (0.00012%); highest among the groups gnomAD compares: Admixed American, 0.0017%; no homozygotes.

Submission:

Labcorp Genetics (formerly Invitae), Labcorp
Classification: Uncertain significance. Last evaluated: 2024-03-24. Review status: criteria provided, single submitter. Criteria: Invitae Variant Classification Sherloc (09022015). Collection method: clinical testing. Allele origin: germline.
Comment: This sequence change replaces arginine, which is basic and polar, with leucine, which is neutral and non-polar, at codon 1179 of the LRP5 protein (p.Arg1179Leu). This variant is not present in population databases (gnomAD no frequency). This variant has not been reported in the literature in individuals affected with LRP5-related conditions. ClinVar contains an entry for this variant (Variation ID: 1423044). Advanced modeling of protein sequence and biophysical properties (such as structural, functional, and spatial information, amino acid conservation, physicochemical variation, residue mobility, and thermodynamic stability) has been performed at Invitae for this missense variant, however the output from this modeling did not meet the statistical confidence thresholds required to predict the impact of this variant on LRP5 protein function. In summary, the available evidence is currently insufficient to determine the role of this variant in disease. Therefore, it has been classified as a Variant of Uncertain Significance.